The following is an entry in ClinVar:

NM_001034853.2(RPGR):c.2845G>A (p.Glu949Lys)

Gene: RPGR (retinitis pigmentosa GTPase regulator; minus strand). Cytogenetic location: Xp11.4.
Variant type: single nucleotide variant.
Coding change: c.2845G>A on transcript NM_001034853.2 (MANE Select); coding-DNA position 2845, G replaced by A.
Protein change: p.Glu949Lys; replaces glutamic acid 949 with lysine.
Molecular consequence: missense variant. On other transcripts: intron variant (8).
Genome position (GRCh38, 1-based): chrX:38,286,154, C>T on the plus strand (G>A on the coding strand, the complement: RPGR is on the minus strand). VCF-style: chrX-38286154-C-T. GRCh37 (hg19) VCF-style: chrX-38145407-C-T.
Other names: c.1569+4805G>A (NM_001367249.1, NM_001367250.1); c.1902+940G>A (NM_001367245.1); c.1386+4805G>A (NM_001367251.1); c.1719+940G>A (NM_001367246.1); c.1572+4805G>A (NM_001367247.1); c.1905+940G>A (NM_000328.3); c.1602+4805G>A (NM_001367248.1); short protein forms E949K.
Identifiers: ClinVar variation 2725923 (VCV002725923.3), dbSNP rs1601919951, ClinGen allele CA412729643.
Genomic context (GRCh38, chrX:38,286,154, plus strand): 5'-CCTCTTCCCCCTCCCCTTCTCCTTCCTCCTCTTCCCCCTCCCATTCTCCTTCCTCCTCTT[C>T]CCCCTCCCCTTCTCCATCCTCCCCTTCCCCTTCTCCTTCCTCCTCTTCCCCCTCCCCTTC-3'
Protein context (NP_001030025.1, residues 939-959): GEGEDGEGEG[Glu949Lys]EEEGEWEGEE

ClinVar aggregate classification (germline): Uncertain significance (1 of 4 stars; one submission).

Conditions:
Primary ciliary dyskinesia. Also called: Ciliary dyskinesia. Identifiers: Orphanet 244, MedGen C0008780, MONDO:0016575, HP:0012265.

Submission:

Labcorp Genetics (formerly Invitae), Labcorp
Classification: Uncertain significance for Primary ciliary dyskinesia. Last evaluated: 2023-02-16. Review status: criteria provided, single submitter. Criteria: Invitae Variant Classification Sherloc (09022015). Collection method: clinical testing. Allele origin: germline.
Comment: In summary, the available evidence is currently insufficient to determine the role of this variant in disease. Therefore, it has been classified as a Variant of Uncertain Significance. Advanced modeling of protein sequence and biophysical properties (such as structural, functional, and spatial information, amino acid conservation, physicochemical variation, residue mobility, and thermodynamic stability) performed at Invitae indicates that this missense variant is not expected to disrupt RPGR (ORF15) protein function. This variant has not been reported in the literature in individuals affected with RPGR (ORF15)-related conditions. The frequency data for this variant in the population databases is considered unreliable, as metrics indicate insufficient coverage at this position in the gnomAD database. This sequence change replaces glutamic acid, which is acidic and polar, with lysine, which is basic and polar, at codon 949 of the RPGR (ORF15) protein (p.Glu949Lys).